The following is an entry in ClinVar:

NM_004393.6(DAG1):c.175G>T (p.Glu59Ter)

Gene: DAG1 (dystroglycan 1; plus strand). Cytogenetic location: 3p21.31.
Variant type: single nucleotide variant.
Coding change: c.175G>T on transcript NM_004393.6 (MANE Select); coding-DNA position 175, G replaced by T.
Protein change: p.Glu59Ter; replaces glutamic acid 59 with a stop codon.
Molecular consequence: nonsense.
Genome position (GRCh38, 1-based): chr3:49,510,709, G>T. VCF-style: chr3-49510709-G-T. GRCh37 (hg19) VCF-style: chr3-49548142-G-T.
Other names: c.175G>T, p.Glu59Ter (NM_001165928.4, NM_001177634.3, NM_001177635.3 and 9 more transcripts); short protein forms E59*.
Identifiers: ClinVar variation 620516 (VCV000620516.8), dbSNP rs767737417, ClinGen allele CA352800618.

ClinVar aggregate classification (germline): Conflicting classifications of pathogenicity. Review status: criteria provided, conflicting classifications (1 of 4 stars). 2 submissions from 2 submitters: Likely pathogenic (1); Uncertain significance (1). Last evaluated 2025-12-30.

Conditions:
Autosomal recessive limb-girdle muscular dystrophy type 2P. Also called: MUSCULAR DYSTROPHY-DYSTROGLYCANOPATHY, LIMB-GIRDLE, DAG1-RELATED; Limb-Girdle Muscular Dystrophy Type 9C; MUSCULAR DYSTROPHY, LIMB-GIRDLE, TYPE 2P. Identifiers: Orphanet 280333, MedGen C4511963, MONDO:0013440, OMIM 613818.
Muscular dystrophy-dystroglycanopathy (congenital with brain and eye anomalies), type A9. Also called: WALKER-WARBURG SYNDROME OR MUSCLE-EYE BRAIN DISEASE, DAG1-RELATED; Muscular dystrophy-dystroglycanopathy (congenital with brain and eye anomalies), type a, 9. Identifiers: Orphanet 370997, Orphanet 899, MedGen C4225291, MONDO:0014683, OMIM 616538.

Submissions (2):

GeneDx
Classification: Likely pathogenic. Last evaluated: 2025-12-30. Review status: criteria provided, single submitter. Criteria: GeneDx Variant Classification Process June 2021. Collection method: clinical testing. Allele origin: germline. Affected: yes.
Comment: Nonsense variant predicted to result in protein truncation or nonsense mediated decay in a gene for which loss of function is a known mechanism of disease; Not observed at significant frequency in large population cohorts (gnomAD); Has not been previously published as pathogenic or benign to our knowledge

Labcorp Genetics (formerly Invitae), Labcorp
Classification: Uncertain significance for Autosomal recessive limb-girdle muscular dystrophy type 2P; Muscular dystrophy-dystroglycanopathy (congenital with brain and eye anomalies), type A9. Last evaluated: 2021-08-03. Review status: criteria provided, single submitter. Criteria: Invitae Variant Classification Sherloc (09022015). Collection method: clinical testing. Allele origin: germline.
Comment: In summary, the available evidence is currently insufficient to determine the role of this variant in disease. Therefore, it has been classified as a Variant of Uncertain Significance. ClinVar contains an entry for this variant (Variation ID: 620516). This variant has not been reported in the literature in individuals affected with DAG1-related conditions. This variant is not present in population databases (ExAC no frequency). This sequence change creates a premature translational stop signal (p.Glu59*) in the DAG1 gene. It is expected to result in an absent or disrupted protein product. However, the current clinical and genetic evidence is not sufficient to establish whether loss-of-function variants in DAG1 cause disease.